The following is an entry in ClinVar:

NM_016734.3(PAX5):c.377A>C (p.Asn126Thr)

Gene: PAX5 (paired box 5; minus strand). Cytogenetic location: 9p13.2.
Variant type: single nucleotide variant.
Coding change: c.377A>C on transcript NM_016734.3 (MANE Select); coding-DNA position 377, A replaced by C.
Protein change: p.Asn126Thr; replaces asparagine 126 with threonine.
Molecular consequence: missense variant. On other transcripts: non-coding transcript variant (2), intron variant (1).
Genome position (GRCh38, 1-based): chr9:37,015,030, T>G on the plus strand (A>C on the coding strand, the complement: PAX5 is on the minus strand). VCF-style: chr9-37015030-T-G. GRCh37 (hg19) VCF-style: chr9-37015027-T-G.
Other names: c.377A>C, p.Asn126Thr (NM_001280547.2, NM_001280548.2, NM_001280549.2 and 4 more transcripts); c.53A>C, p.Asn18Thr (NM_001280551.2, NM_001280556.2); c.212+5606A>C (NM_001280555.2); short protein forms N126T, N18T.
Identifiers: ClinVar variation 5026297 (VCV005026297.1).

ClinVar aggregate classification (germline): Uncertain significance (1 of 4 stars; one submission).

Conditions:
Inborn genetic diseases. Identifiers: MedGen C0950123, MeSH D030342.

gnomAD v4.1: 14 of 1,614,030 alleles (0.00087%); highest among the groups gnomAD compares: Non-Finnish European, 0.0012%; no homozygotes.

Submission:

Ambry Genetics
Classification: Uncertain significance for Inborn genetic diseases. Last evaluated: 2026-07-13. Review status: criteria provided, single submitter. Criteria: Ambry Variant Classification Scheme 2023. Collection method: clinical testing. Allele origin: germline.
Comment: The p.N126T variant (also known as c.377A>C), located in coding exon 3 of the PAX5 gene, results from an A to C substitution at nucleotide position 377. The asparagine at codon 126 is replaced by threonine, an amino acid with similar properties. This amino acid position is conserved. In addition, the in silico prediction for this alteration is inconclusive. Based on the available evidence, the clinical significance of this variant remains unclear.